The following is an entry in ClinVar:

ClinVar aggregate classification (germline): Benign. Review status: criteria provided, multiple submitters, no conflicts (2 of 4 stars). 9 submissions from 9 submitters: Benign (7). 2 of the submissions do not count toward it. Last evaluated 2026-02-04.

Conditions:
Primary ciliary dyskinesia. Also called: Ciliary dyskinesia. Identifiers: Orphanet 244, MedGen C0008780, MONDO:0016575, HP:0012265.
Primary ciliary dyskinesia 7. Also called: CILIARY DYSKINESIA, PRIMARY, 7, WITH OR WITHOUT SITUS INVERSUS. Identifiers: Orphanet 244, MedGen C2678473, MONDO:0012748, OMIM 611884.

Allele frequency attached by ClinVar (database versions not stated): 1000 Genomes Project 0.53954; 1000 Genomes Project 30x 0.54403; TOPMed 0.62808; gnomAD 0.63800; ExAC 0.64086; ESP Exome Variant Server 0.66476.
gnomAD v4.1: 1,073,856 of 1,603,266 alleles (67%); highest among the groups gnomAD compares: Non-Finnish European, 70%; 366,485 homozygotes.

Submissions (9):

Labcorp Genetics (formerly Invitae), Labcorp
Classification: Benign for Primary ciliary dyskinesia. Last evaluated: 2026-02-04. Review status: criteria provided, single submitter. Criteria: Invitae Variant Classification Sherloc (09022015). Collection method: clinical testing. Allele origin: germline.

Blueprint Genetics
Classification: Benign. Last evaluated: 2024-11-27. Review status: criteria provided, single submitter. Criteria: ACMG Guidelines, 2015. Collection method: clinical testing. Allele origin: germline.

Mayo Clinic Laboratories, Mayo Clinic
Classification: Benign. Last evaluated: 2022-04-26. Review status: criteria provided, single submitter. Criteria: ACMG Guidelines, 2015. Collection method: clinical testing. Allele origin: germline. Observed: 177 variant alleles.

Genome-Nilou Lab
Classification: Benign for Primary ciliary dyskinesia 7. Last evaluated: 2021-07-30. Review status: criteria provided, single submitter. Criteria: ACMG Guidelines, 2015. Collection method: clinical testing. Allele origin: germline. Affected: no.

GeneDx
Classification: Benign. Last evaluated: 2018-11-10. Review status: criteria provided, single submitter. Criteria: GeneDx Variant Classification Process June 2021. Collection method: clinical testing. Allele origin: germline. Affected: yes.

Laboratory for Molecular Medicine, Mass General Brigham Personalized Medicine
Classification: Benign. Last evaluated: 2013-02-21. Review status: criteria provided, single submitter. Criteria: LMM Criteria. Collection method: clinical testing. Allele origin: germline. Observed: 91 variant alleles.
Comment: His2592His in exon 47 of DNAH11: This variant is not expected to have clinical s ignificance because it does not alter an amino acid residue and is not located w ithin the splice consensus sequence. It has been identified in 38.9% (1692/4352) of African American chromosomes from a broad population by the NHLBI Exome Sequ encing Project (dbSNP rs1109806).

PreventionGenetics, part of Exact Sciences
Classification: Benign. Review status: criteria provided, single submitter. Criteria: ACMG Guidelines, 2015. Collection method: clinical testing. Allele origin: germline.

Clinical Genetics DNA and cytogenetics Diagnostics Lab, Erasmus MC, Erasmus Medical Center
Classification: Benign. Review status: no assertion criteria provided. Collection method: clinical testing. Allele origin: germline. Affected: yes. Study: VKGL Data-share Consensus. Not counted in ClinVar's aggregate classification.

Diagnostic Laboratory, Department of Genetics, University Medical Center Groningen
Classification: Benign. Review status: no assertion criteria provided. Collection method: clinical testing. Allele origin: germline. Affected: yes. Study: VKGL Data-share Consensus. Not counted in ClinVar's aggregate classification.

NM_001277115.2(DNAH11):c.7776C>T (p.His2592=)

Gene: DNAH11 (dynein axonemal heavy chain 11; plus strand). Cytogenetic location: 7p15.3.
Variant type: single nucleotide variant.
Coding change: c.7776C>T on transcript NM_001277115.2 (MANE Select); coding-DNA position 7776, C replaced by T.
Protein change: p.His2592=; no amino-acid change (histidine 2592 retained).
Molecular consequence: synonymous variant.
Genome position (GRCh38, 1-based): chr7:21,738,831, C>T. VCF-style: chr7-21738831-C-T. GRCh37 (hg19) VCF-style: chr7-21778449-C-T.
Other names: p.His2592=.
Identifiers: ClinVar variation 163112 (VCV000163112.30), dbSNP rs1109806, ClinGen allele CA175733.